The following is an entry in ClinVar:

ClinVar aggregate classification (germline): Uncertain significance (1 of 4 stars; one submission).

gnomAD v4.1: 2 of 1,614,058 alleles (0.00012%); highest among the groups gnomAD compares: Admixed American, 0.0017%; no homozygotes.

Submission:

Labcorp Genetics (formerly Invitae), Labcorp
Classification: Uncertain significance. Last evaluated: 2024-10-07. Review status: criteria provided, single submitter. Criteria: Invitae Variant Classification Sherloc (09022015). Collection method: clinical testing. Allele origin: germline.
Comment: This sequence change replaces glutamic acid, which is acidic and polar, with glutamine, which is neutral and polar, at codon 741 of the MYLK3 protein (p.Glu741Gln). This variant is not present in population databases (gnomAD no frequency). This variant has not been reported in the literature in individuals affected with MYLK3-related conditions. An algorithm developed to predict the effect of missense changes on protein structure and function (PolyPhen-2) suggests that this variant is likely to be disruptive. In summary, the available evidence is currently insufficient to determine the role of this variant in disease. Therefore, it has been classified as a Variant of Uncertain Significance.

NM_182493.3(MYLK3):c.2221G>C (p.Glu741Gln)

Gene: MYLK3 (myosin light chain kinase 3; minus strand). Cytogenetic location: 16q11.2.
Variant type: single nucleotide variant.
Coding change: c.2221G>C on transcript NM_182493.3 (MANE Select); coding-DNA position 2221, G replaced by C.
Protein change: p.Glu741Gln; replaces glutamic acid 741 with glutamine.
Molecular consequence: missense variant.
Genome position (GRCh38, 1-based): chr16:46,710,683, C>G on the plus strand (G>C on the coding strand, the complement: MYLK3 is on the minus strand). VCF-style: chr16-46710683-C-G. GRCh37 (hg19) VCF-style: chr16-46744595-C-G.
Other names: c.1198G>C, p.Glu400Gln (NM_001308301.1); short protein forms E400Q, E741Q.
Identifiers: ClinVar variation 3689062 (VCV003689062.2).